The following is an entry in ClinVar:

NM_000059.4(BRCA2):c.6532C>G (p.His2178Asp)

Gene: BRCA2 (BRCA2 DNA repair associated; plus strand). Cytogenetic location: 13q13.1.
Variant type: single nucleotide variant.
Coding change: c.6532C>G on transcript NM_000059.4 (MANE Select); coding-DNA position 6532, C replaced by G.
Protein change: p.His2178Asp; replaces histidine 2178 with aspartic acid.
Molecular consequence: missense variant.
Genome position (GRCh38, 1-based): chr13:32,340,887, C>G. VCF-style: chr13-32340887-C-G. GRCh37 (hg19) VCF-style: chr13-32915024-C-G.
Other names: short protein forms H2178D.
Identifiers: ClinVar variation 232983 (VCV000232983.9), dbSNP rs80358885, ClinGen allele CA6940966.

ClinVar aggregate classification (germline): Conflicting classifications of pathogenicity. Review status: criteria provided, conflicting classifications (1 of 4 stars). 3 submissions from 3 submitters: Uncertain significance (2); Likely benign (1). Last evaluated 2023-03-23.

Conditions:
Hereditary breast ovarian cancer syndrome. Also called: Hereditary breast and ovarian cancer syndrome; BRCA1- and BRCA2-Associated Hereditary Breast and Ovarian Cancer; Breast and ovarian cancer; Hereditary breast and/or ovarian cancer syndrome; Hereditary breast and ovarian cancer; Hereditary breast and ovarian cancer syndrome (HBOC). Identifiers: Orphanet 145, MedGen C0677776, MeSH D061325, MONDO:0003582. Disease mechanism: loss of function.
Hereditary cancer-predisposing syndrome. Also called: Neoplastic Syndromes, Hereditary; Tumor predisposition; Hereditary Cancer Syndrome; Hereditary neoplastic syndrome. Identifiers: Orphanet 140162, MedGen C0027672, MeSH D009386, MONDO:0015356.

Allele frequency attached by ClinVar (database versions not stated): gnomAD exomes below 0.00001; TOPMed below 0.00001; ExAC 0.00001; gnomAD 0.00001; ESP Exome Variant Server 0.00008.
gnomAD v4.1: 2 of 1,605,998 alleles (0.00012%); highest among the groups gnomAD compares: Non-Finnish European, 0.00017%; no homozygotes.

Submissions (3):

University of Washington Department of Laboratory Medicine, University of Washington
Classification: Likely benign for Hereditary cancer-predisposing syndrome. Last evaluated: 2023-03-23. Review status: criteria provided, single submitter. Criteria: Dines et al. (Genet Med. 2020). Collection method: curation. Allele origin: germline.
Comment: Missense variant in a coldspot region where missense variants are very unlikely to be pathogenic (PMID:31911673).

BRCA2 exon 11 coldspot. Reclassification based on statistical prior probability.

Labcorp Genetics (formerly Invitae), Labcorp
Classification: Uncertain significance for Hereditary breast ovarian cancer syndrome. Last evaluated: 2021-11-14. Review status: criteria provided, single submitter. Criteria: Invitae Variant Classification Sherloc (09022015). Collection method: clinical testing. Allele origin: germline.
Comment: This sequence change replaces histidine, which is basic and polar, with aspartic acid, which is acidic and polar, at codon 2178 of the BRCA2 protein (p.His2178Asp). This variant is present in population databases (rs80358885, gnomAD no frequency). This variant has not been reported in the literature in individuals affected with BRCA2-related conditions. ClinVar contains an entry for this variant (Variation ID: 232983). Advanced modeling of protein sequence and biophysical properties (such as structural, functional, and spatial information, amino acid conservation, physicochemical variation, residue mobility, and thermodynamic stability) performed at Invitae indicates that this missense variant is not expected to disrupt BRCA2 protein function. In summary, the available evidence is currently insufficient to determine the role of this variant in disease. Therefore, it has been classified as a Variant of Uncertain Significance.

Ambry Genetics
Classification: Uncertain significance for Hereditary cancer-predisposing syndrome. Last evaluated: 2015-07-13. Review status: criteria provided, single submitter. Criteria: Ambry Variant Classification Scheme 2023. Collection method: clinical testing. Allele origin: germline.
Comment: The p.H2178D variant (also known as c.6532C>G and 6760C>G), located in coding exon 10 of the BRCA2 gene, results from a C to G substitution at nucleotide position 6532. The histidine at codon 2178 is replaced by aspartic acid, an amino acid with some similar properties. This variant was previously reported in the SNPDatabase as rs80358885. Based on data from the NHLBI Exome Sequencing Project (ESP), the G allele has an overall frequency of approximately 0.01% (1/13002) total alleles studied and 0.01% (1/8596) European American alleles. To date, this alteration has been detected with an allele frequency of approximately 0.001% (greater than 150000 alleles tested) in our clinical cohort. This amino acid position is poorly conserved in available vertebrate species. In addition, this alteration is predicted to be tolerated by in silico analysis. Since supporting evidence is limited at this time, the clinical significance of p.H2178D remains unclear.